The following is an entry in ClinVar:

NM_000051.4(ATM):c.6950A>C (p.Lys2317Thr)

Genes: ATM (ATM serine/threonine kinase; plus strand), C11orf65 (chromosome 11 open reading frame 65; minus strand). Cytogenetic location: 11q22.3.
Variant type: single nucleotide variant.
Coding change: c.6950A>C on transcript NM_000051.4 (MANE Select); coding-DNA position 6950, A replaced by C.
Protein change: p.Lys2317Thr; replaces lysine 2317 with threonine.
Molecular consequence: missense variant. On other transcripts: intron variant (2).
Genome position (GRCh38, 1-based): chr11:108,326,200, A>C. VCF-style: chr11-108326200-A-C. GRCh37 (hg19) VCF-style: chr11-108196927-A-C.
Other names: c.6950A>C, p.Lys2317Thr (NM_001351834.2); c.641-17129T>G (NM_001330368.2); c.*38+9020T>G (NM_001351110.2); short protein forms K2317T.
Identifiers: ClinVar variation 478983 (VCV000478983.26), dbSNP rs750285816, ClinGen allele CA6266036.

ClinVar aggregate classification (germline): Uncertain significance. Review status: criteria provided, multiple submitters, no conflicts (2 of 4 stars). 3 submissions from 3 submitters: Uncertain significance (2). 1 of the submissions does not count toward it. Last evaluated 2025-06-15.

Conditions:
Hereditary cancer-predisposing syndrome. Also called: Neoplastic Syndromes, Hereditary; Hereditary Cancer Syndrome; Tumor predisposition; Hereditary neoplastic syndrome. Identifiers: Orphanet 140162, MedGen C0027672, MeSH D009386, MONDO:0015356.
Ataxia-telangiectasia syndrome (AT). Also called: LOUIS-BAR SYNDROME; Cerebello-oculocutaneous telangiectasia; Immunodeficiency with ataxia telangiectasia; Ataxia-telangiectasia, complementation group D; AT, COMPLEMENTATION GROUP C; Ataxia-telangiectasia, complementation group E. Identifiers: Orphanet 100, MedGen C0004135, MONDO:0008840, OMIM 208900.

Allele frequency attached by ClinVar (database versions not stated): ExAC 0.00001; gnomAD exomes below 0.00001 and 0.00001.
gnomAD v4.1: 1 of 1,614,146 alleles (0.000062%); highest among the groups gnomAD compares: Non-Finnish European, 0.000085%; no homozygotes.

Submissions (3):

Labcorp Genetics (formerly Invitae), Labcorp
Classification: Uncertain significance for Ataxia-telangiectasia syndrome. Last evaluated: 2025-06-15. Review status: criteria provided, single submitter. Criteria: Invitae Variant Classification Sherloc (09022015). Collection method: clinical testing. Allele origin: germline.
Comment: This sequence change replaces lysine, which is basic and polar, with threonine, which is neutral and polar, at codon 2317 of the ATM protein (p.Lys2317Thr). This variant is present in population databases (rs750285816, gnomAD 0.0009%). This variant has not been reported in the literature in individuals affected with ATM-related conditions. ClinVar contains an entry for this variant (Variation ID: 478983). Invitae Evidence Modeling of protein sequence and biophysical properties (such as structural, functional, and spatial information, amino acid conservation, physicochemical variation, residue mobility, and thermodynamic stability) indicates that this missense variant is not expected to disrupt ATM protein function with a negative predictive value of 95%. In summary, the available evidence is currently insufficient to determine the role of this variant in disease. Therefore, it has been classified as a Variant of Uncertain Significance.

Ambry Genetics
Classification: Uncertain significance for Hereditary cancer-predisposing syndrome. Last evaluated: 2024-12-20. Review status: criteria provided, single submitter. Criteria: Ambry Variant Classification Scheme 2023. Collection method: clinical testing. Allele origin: germline.
Comment: The p.K2317T variant (also known as c.6950A>C), located in coding exon 46 of the ATM gene, results from an A to C substitution at nucleotide position 6950. The lysine at codon 2317 is replaced by threonine, an amino acid with similar properties. This amino acid position is well conserved in available vertebrate species. In addition, the in silico prediction for this alteration is inconclusive. Based on the available evidence, the clinical significance of this variant remains unclear.

Natera, Inc.
Classification: Uncertain significance for Ataxia-telangiectasia. Last evaluated: 2020-08-24. Review status: no assertion criteria provided. Collection method: clinical testing. Allele origin: germline. Not counted in ClinVar's aggregate classification.